The following is an entry in ClinVar:

ClinVar aggregate classification (germline): Pathogenic (1 of 4 stars; one submission).

Conditions:
Congenital hyperammonemia, type I. Also called: Carbamoyl phosphate synthetase I deficiency disease; Carbamoyl phosphate synthetase 1 deficiency; Hyperammonemia due to carbamoyl phosphate synthetase 1 deficiency; CPS 1 deficiency; Carbamyl phosphate synthetase (CPS) deficiency; CPS I DEFICIENCY. Identifiers: Orphanet 147, MedGen C4082171, MONDO:0009376, OMIM 237300.

Submission:

Labcorp Genetics (formerly Invitae), Labcorp
Classification: Pathogenic for Congenital hyperammonemia, type I. Last evaluated: 2020-10-09. Review status: criteria provided, single submitter. Criteria: Invitae Variant Classification Sherloc (09022015). Collection method: clinical testing. Allele origin: germline.
Comment: This variant is a gross deletion of the genomic region encompassing exon(s) 1 of the CPS1 gene, which includes the initiator codon. The 5' end of this event is unknown as it extends beyond the assayed region for this gene and therefore may encompass additional genes. The 3' boundary is likely confined to intron 1 of the CPS1 gene. This is expected to result in an absent or disrupted protein product. This variant has not been reported in the literature in individuals with CPS1-related conditions. Loss-of-function variants in CPS1 are known to be pathogenic (PMID: 21120950). For these reasons, this variant has been classified as Pathogenic.

Literature cited by the submitters: PubMed 21120950.

NC_000002.11:g.(?_211421433)_(211421593_?)del

Gene: CPS1 (carbamoyl-phosphate synthase 1; plus strand). Cytogenetic location: 2q34.
Variant type: Deletion.
Identifiers: ClinVar variation 1070017 (VCV001070017.1).